The following is an entry in ClinVar:

NM_001127208.3(TET2):c.4624C>T (p.Gln1542Ter)

Genes: TET2-AS1 (TET2 antisense RNA 1; minus strand), TET2 (tet methylcytosine dioxygenase 2; plus strand). Cytogenetic location: 4q24.
Variant type: single nucleotide variant.
Coding change: c.4624C>T on transcript NM_001127208.3 (MANE Select); coding-DNA position 4624, C replaced by T.
Protein change: p.Gln1542Ter; replaces glutamine 1542 with a stop codon.
Molecular consequence: nonsense.
Genome position (GRCh38, 1-based): chr4:105,275,134, C>T. VCF-style: chr4-105275134-C-T. GRCh37 (hg19) VCF-style: chr4-106196291-C-T.
Other names: short protein forms Q1542*.
Identifiers: ClinVar variation 1318591 (VCV001318591.2), dbSNP rs1731139649, ClinGen allele CA357813029.

ClinVar aggregate classification (germline): Uncertain significance (1 of 4 stars; one submission).

Submission:

GeneDx
Classification: Uncertain significance. Last evaluated: 2019-07-30. Review status: criteria provided, single submitter. Criteria: GeneDx Variant Classification Process June 2021. Collection method: clinical testing. Allele origin: germline. Affected: yes.
Comment: Not observed in large population cohorts (Lek et al., 2016); Nonsense variant predicted to result in protein truncation, although loss-of-function variants have not been reported downstream of this position in the protein; Has not been previously published as pathogenic or benign to our knowledge